The following is an entry in ClinVar:

NM_177438.3(DICER1):c.5543A>G (p.Asn1848Ser)

Gene: DICER1 (dicer 1, ribonuclease III; minus strand). Cytogenetic location: 14q32.13.
Variant type: single nucleotide variant.
Coding change: c.5543A>G on transcript NM_177438.3 (MANE Select); coding-DNA position 5543, A replaced by G.
Protein change: p.Asn1848Ser; replaces asparagine 1848 with serine.
Molecular consequence: missense variant.
Genome position (GRCh38, 1-based): chr14:95,091,094, T>C on the plus strand (A>G on the coding strand, the complement: DICER1 is on the minus strand). VCF-style: chr14-95091094-T-C. GRCh37 (hg19) VCF-style: chr14-95557431-T-C.
Other names: c.5380A>G, p.Met1794Val (NM_001195573.1); c.5543A>G, p.Asn1848Ser (NM_001271282.3, NM_001291628.2, NM_030621.4); short protein forms M1794V, N1848S.
Identifiers: ClinVar variation 1025024 (VCV001025024.10), dbSNP rs1889765764, ClinGen allele CA390864362.
Genomic context (GRCh38, chr14:95,091,094, plus strand): 5'-CTAAATTTGGCAGTTTCTGGTTCCATTTCAAGCAATTCTCGCACAGGGGAACGGGGTACA[T>C]TTGCAGAAAACTTTTCTGCAATCAAAATGAAAGAATAATATGAATAATATCTCTGAAGTT-3'
Protein context (NP_803187.1, residues 1838-1858): MRPLIEKFSA[Asn1848Ser]VPRSPVRELL

ClinVar aggregate classification (germline): Uncertain significance (1 of 4 stars; one submission).

Conditions:
DICER1-related tumor predisposition. Also called: DICER1 syndrome; DICER1-related pleuropulmonary blastoma cancer predisposition syndrome. Identifiers: Orphanet 284343, MedGen C3839822, MONDO:0100216.

Allele frequency attached by ClinVar (database versions not stated): gnomAD exomes below 0.00001.
gnomAD v4.1: 7 of 1,614,166 alleles (0.00043%); highest among the groups gnomAD compares: Non-Finnish European, 0.00059%; no homozygotes.

Submission:

Labcorp Genetics (formerly Invitae), Labcorp
Classification: Uncertain significance for DICER1-related tumor predisposition. Last evaluated: 2023-11-14. Review status: criteria provided, single submitter. Criteria: Invitae Variant Classification Sherloc (09022015). Collection method: clinical testing. Allele origin: germline.
Comment: This sequence change replaces asparagine, which is neutral and polar, with serine, which is neutral and polar, at codon 1848 of the DICER1 protein (p.Asn1848Ser). This variant is not present in population databases (gnomAD no frequency). This variant has not been reported in the literature in individuals affected with DICER1-related conditions. ClinVar contains an entry for this variant (Variation ID: 1025024). An algorithm developed to predict the effect of missense changes on protein structure and function (PolyPhen-2) suggests that this variant is likely to be tolerated. In summary, the available evidence is currently insufficient to determine the role of this variant in disease. Therefore, it has been classified as a Variant of Uncertain Significance.